The following is an entry in ClinVar:

NM_004863.4(SPTLC2):c.610T>G (p.Cys204Gly)

Gene: SPTLC2 (serine palmitoyltransferase long chain base subunit 2; minus strand). Cytogenetic location: 14q24.3.
Variant type: single nucleotide variant.
Coding change: c.610T>G on transcript NM_004863.4 (MANE Select); coding-DNA position 610, T replaced by G.
Protein change: p.Cys204Gly; replaces cysteine 204 with glycine.
Molecular consequence: missense variant.
Genome position (GRCh38, 1-based): chr14:77,576,788, A>C on the plus strand (T>G on the coding strand, the complement: SPTLC2 is on the minus strand). VCF-style: chr14-77576788-A-C. GRCh37 (hg19) VCF-style: chr14-78043131-A-C.
Other names: short protein forms C204G.
Identifiers: ClinVar variation 959658 (VCV000959658.9), dbSNP rs781167120, ClinGen allele CA7289415.

ClinVar aggregate classification (germline): Uncertain significance (1 of 4 stars; one submission).

Conditions:
Neuropathy, hereditary sensory and autonomic, type 1C. Also called: HSAN IC; HSN IC. Identifiers: Orphanet 36386, MedGen C3150896, MONDO:0013337, OMIM 613640.

Allele frequency attached by ClinVar (database versions not stated): gnomAD exomes below 0.00001; gnomAD 0.00001.
gnomAD v4.1: 8 of 1,614,106 alleles (0.0005%); highest among the groups gnomAD compares: Non-Finnish European, 0.00025%; no homozygotes.

Submission:

Labcorp Genetics (formerly Invitae), Labcorp
Classification: Uncertain significance for Neuropathy, hereditary sensory and autonomic, type 1C. Last evaluated: 2020-02-17. Review status: criteria provided, single submitter. Criteria: Invitae Variant Classification Sherloc (09022015). Collection method: clinical testing. Allele origin: germline.
Comment: Algorithms developed to predict the effect of missense changes on protein structure and function (SIFT, PolyPhen-2, Align-GVGD) all suggest that this variant is likely to be tolerated, but these predictions have not been confirmed by published functional studies and their clinical significance is uncertain. In summary, the available evidence is currently insufficient to determine the role of this variant in disease. Therefore, it has been classified as a Variant of Uncertain Significance. This variant has not been reported in the literature in individuals with SPTLC2-related conditions. This variant is present in population databases (rs781167120, ExAC 0.001%). This sequence change replaces cysteine with glycine at codon 204 of the SPTLC2 protein (p.Cys204Gly). The cysteine residue is moderately conserved and there is a large physicochemical difference between cysteine and glycine.